The following is an entry in ClinVar:

NM_017763.6(RNF43):c.674G>A (p.Arg225His)

Gene: RNF43 (ring finger protein 43; minus strand). Cytogenetic location: 17q22.
Variant type: single nucleotide variant.
Coding change: c.674G>A on transcript NM_017763.6 (MANE Select); coding-DNA position 674, G replaced by A.
Protein change: p.Arg225His; replaces arginine 225 with histidine.
Molecular consequence: missense variant.
Genome position (GRCh38, 1-based): chr17:58,362,557, C>T on the plus strand (G>A on the coding strand, the complement: RNF43 is on the minus strand). VCF-style: chr17-58362557-C-T. GRCh37 (hg19) VCF-style: chr17-56439918-C-T.
Other names: c.674G>A, p.Arg225His (NM_001305544.3); c.293G>A, p.Arg98His (NM_001305545.2); short protein forms R225H, R98H.
Identifiers: ClinVar variation 1111196 (VCV001111196.16), dbSNP rs367688879, ClinGen allele CA8673347.

ClinVar aggregate classification (germline): Conflicting classifications of pathogenicity. Review status: criteria provided, conflicting classifications (1 of 4 stars). 6 submissions from 6 submitters: Uncertain significance (3); Likely benign (3). Last evaluated 2025-12-29.

Conditions:
Hyperplastic polyposis syndrome. Identifiers: Orphanet 157798, MedGen C4296896, MONDO:0015524.

Allele frequency attached by ClinVar (database versions not stated): ESP Exome Variant Server 0.00008; gnomAD exomes 0.00008 and 0.00015; 1000 Genomes Project 30x 0.00016; ExAC 0.00017; gnomAD 0.00019 and 0.00021; 1000 Genomes Project 0.00020; TOPMed 0.00023.
gnomAD v4.1: 141 of 1,604,666 alleles (0.0088%); highest among the groups gnomAD compares: Middle Eastern, 0.083%; 1 homozygote.

Submissions (6):

Center for Genomic Medicine, Rigshospitalet, Copenhagen University Hospital
Classification: Uncertain significance. Last evaluated: 2025-12-29. Review status: criteria provided, single submitter. Criteria: ACMG Guidelines, 2015. Collection method: clinical testing. Allele origin: germline.

Labcorp Genetics (formerly Invitae), Labcorp
Classification: Likely benign. Last evaluated: 2025-10-23. Review status: criteria provided, single submitter. Criteria: Invitae Variant Classification Sherloc (09022015). Collection method: clinical testing. Allele origin: germline.

Ambry Genetics
Classification: Likely benign. Last evaluated: 2024-07-30. Review status: criteria provided, single submitter. Criteria: Ambry Variant Classification Scheme 2023. Collection method: clinical testing. Allele origin: germline.

GeneDx
Classification: Uncertain significance. Last evaluated: 2023-12-17. Review status: criteria provided, single submitter. Criteria: GeneDx Variant Classification Process June 2021. Collection method: clinical testing. Allele origin: germline. Affected: yes.
Comment: In silico analysis supports that this missense variant does not alter protein structure/function; Observed in an individual with non-pancreatic ductal adenocarcinoma and a family history of breast cancer (PMID: 28767289); Variants in candidate genes are classified as variants of uncertain significance in accordance with ACMG guidelines (PMID: 25741868); This variant is associated with the following publications: (PMID: 28767289)

Department of Pathology and Laboratory Medicine, Sinai Health System
Classification: Uncertain significance for Hyperplastic polyposis syndrome. Last evaluated: 2023-07-26. Review status: criteria provided, single submitter. Criteria: ACMG Guidelines, 2015. Collection method: clinical testing. Allele origin: germline. Affected: yes.

Genetic Services Laboratory, University of Chicago
Classification: Likely benign. Last evaluated: 2021-11-19. Review status: criteria provided, single submitter. Criteria: ACMG Guidelines, 2015. Collection method: clinical testing. Allele origin: germline. Affected: no.

Literature cited by the submitters: PubMed 27149842 (cited by Department of Pathology and Laboratory Medicine, Sinai Health System); PubMed 31133068 (cited by Department of Pathology and Laboratory Medicine, Sinai Health System); PubMed 31747416 (cited by Department of Pathology and Laboratory Medicine, Sinai Health System).